The following is an entry in ClinVar:

NM_001042681.2(RERE):c.538C>A (p.Leu180Ile)

Gene: RERE (arginine-glutamic acid dipeptide repeats; minus strand). Cytogenetic location: 1p36.23.
Variant type: single nucleotide variant.
Coding change: c.538C>A on transcript NM_001042681.2 (MANE Select); coding-DNA position 538, C replaced by A.
Protein change: p.Leu180Ile; replaces leucine 180 with isoleucine.
Molecular consequence: missense variant.
Genome position (GRCh38, 1-based): chr1:8,557,508, G>T on the plus strand (C>A on the coding strand, the complement: RERE is on the minus strand). VCF-style: chr1-8557508-G-T. GRCh37 (hg19) VCF-style: chr1-8617567-G-T.
Other names: c.538C>A, p.Leu180Ile (NM_012102.4); short protein forms L180I.
Identifiers: ClinVar variation 1304880 (VCV001304880.2), dbSNP rs2124425451, ClinGen allele CA338225205.

ClinVar aggregate classification (germline): Uncertain significance (1 of 4 stars; one submission).

Submission:

GeneDx
Classification: Uncertain significance. Last evaluated: 2020-08-31. Review status: criteria provided, single submitter. Criteria: GeneDx Variant Classification Process June 2021. Collection method: clinical testing. Allele origin: germline. Affected: yes.
Comment: Not observed in large population cohorts (Lek et al., 2016); In silico analysis, which includes protein predictors and evolutionary conservation, supports that this variant does not alter protein structure/function; Has not been previously published as pathogenic or benign to our knowledge